The following is an entry in ClinVar:

NM_014908.4(DOLK):c.1481A>G (p.Asp494Gly)

Gene: DOLK (dolichol kinase; minus strand). Cytogenetic location: 9q34.11.
Variant type: single nucleotide variant.
Coding change: c.1481A>G on transcript NM_014908.4 (MANE Select); coding-DNA position 1481, A replaced by G.
Protein change: p.Asp494Gly; replaces aspartic acid 494 with glycine.
Molecular consequence: missense variant.
Genome position (GRCh38, 1-based): chr9:128,945,823, T>C on the plus strand (A>G on the coding strand, the complement: DOLK is on the minus strand). VCF-style: chr9-128945823-T-C. GRCh37 (hg19) VCF-style: chr9-131708102-T-C.
Other names: short protein forms D494G.
Identifiers: ClinVar variation 449845 (VCV000449845.24), dbSNP rs145292760, ClinGen allele CA5271558.

ClinVar aggregate classification (germline): Conflicting classifications of pathogenicity. Review status: criteria provided, conflicting classifications (1 of 4 stars). 6 submissions from 6 submitters: Uncertain significance (1); Benign (1); Likely benign (4). Last evaluated 2026-01-27.

Conditions:
Cardiovascular phenotype. Identifiers: MedGen CN230736.
DK1-congenital disorder of glycosylation. Also called: DK1-CDG; CONGENITAL DISORDER OF GLYCOSYLATION, TYPE Im; CDG Im; DOLK-congenital disorder of glycosylation; Carbohydrate deficient glycoprotein syndrome type 1m; DK1 DEFICIENCY. Identifiers: Orphanet 91131, MedGen C1835849, MONDO:0012556, OMIM 610768.

Allele frequency attached by ClinVar (database versions not stated): gnomAD exomes 0.00024 and 0.00052; TOPMed 0.00036; gnomAD 0.00038 and 0.00039; ExAC 0.00043; ESP Exome Variant Server 0.00062.

Submissions (6):

Labcorp Genetics (formerly Invitae), Labcorp
Classification: Benign for DK1-congenital disorder of glycosylation. Last evaluated: 2026-01-27. Review status: criteria provided, single submitter. Criteria: Invitae Variant Classification Sherloc (09022015). Collection method: clinical testing. Allele origin: germline.

Women's Health and Genetics/Laboratory Corporation of America, LabCorp
Classification: Likely benign. Last evaluated: 2025-09-29. Review status: criteria provided, single submitter. Criteria: LabCorp Variant Classification Summary - May 2015. Collection method: clinical testing. Allele origin: germline.
Comment: Variant summary: DOLK c.1481A>G (p.Asp494Gly) results in a non-conservative amino acid change in the encoded protein sequence. Algorithms developed to predict the effect of missense changes on protein structure and function are either unavailable or do not agree on the potential impact of this missense change. The variant allele was found at a frequency of 0.00027 in 1614050 control chromosomes, predominantly at a frequency of 0.011 within the Ashkenazi Jewish subpopulation in the gnomAD V4 database, including 1 homozygote. The observed variant frequency within Ashkenazi Jewish control individuals in the gnomAD database exceeds the estimated maximal expected allele frequency for disease-causing variants in DOLK, strongly suggesting that the variant is a benign polymorphism found primarily in populations of Ashkenazi Jewish origin. c.1481A>G has been reported in the literature in one individual affected with DK1-Congenital Disorder Of Glycosylation (Jones_2013). The report does not provide unequivocal conclusions about association of the variant with DK1-Congenital Disorder Of Glycosylation. To our knowledge, no experimental evidence demonstrating an impact on protein function has been reported. ClinVar contains an entry for this variant (Variation ID: 449845). Based on the evidence outlined above, the variant was classified as likely benign.

Blueprint Genetics
Classification: Likely benign. Last evaluated: 2024-10-18. Review status: criteria provided, single submitter. Criteria: ACMG Guidelines, 2015. Collection method: clinical testing. Allele origin: germline.

Ambry Genetics
Classification: Likely benign for Cardiovascular phenotype. Last evaluated: 2019-05-30. Review status: criteria provided, single submitter. Criteria: Ambry Variant Classification Scheme 2023. Collection method: clinical testing. Allele origin: germline.

GeneDx
Classification: Likely benign. Last evaluated: 2018-01-23. Review status: criteria provided, single submitter. Criteria: GeneDx Variant Classification (06012015). Collection method: clinical testing. Allele origin: germline. Affected: yes.
Comment: This variant is considered likely benign or benign based on one or more of the following criteria: it is a conservative change, it occurs at a poorly conserved position in the protein, it is predicted to be benign by multiple in silico algorithms, and/or has population frequency not consistent with disease.

Illumina Laboratory Services, Illumina
Classification: Uncertain significance for DK1-congenital disorder of glycosylation. Last evaluated: 2017-04-27. Review status: criteria provided, single submitter. Criteria: ICSL Variant Classification Criteria 13 December 2019. Collection method: clinical testing. Allele origin: germline.

Literature cited by the submitters: PubMed 23806237 (cited by Women's Health and Genetics/Laboratory Corporation of America, LabCorp).